The following is an entry in ClinVar:

NM_000203.5(IDUA):c.1051G>A (p.Ala351Thr)

Gene: IDUA (alpha-L-iduronidase; plus strand). Cytogenetic location: 4p16.3.
Variant type: single nucleotide variant.
Coding change: c.1051G>A on transcript NM_000203.5 (MANE Select); coding-DNA position 1051, G replaced by A.
Protein change: p.Ala351Thr; replaces alanine 351 with threonine.
Molecular consequence: missense variant. On other transcripts: non-coding transcript variant (1).
Genome position (GRCh38, 1-based): chr4:1,002,347, G>A. VCF-style: chr4-1002347-G-A. GRCh37 (hg19) VCF-style: chr4-996135-G-A.
Other names: NM_000203.5(IDUA):c.1051G>A; p.Ala351Thr; c.655G>A, p.Ala219Thr (NM_001363576.1); short protein forms A219T, A351T.
Identifiers: ClinVar variation 967585 (VCV000967585.12), dbSNP rs772855552, ClinGen allele CA2802176.

ClinVar aggregate classification (germline): Uncertain significance. Review status: reviewed by expert panel (3 of 4 stars). 4 submissions from 4 submitters: Uncertain significance (1). 3 of the submissions do not count toward it. Last evaluated 2024-12-06.

Conditions:
Mucopolysaccharidosis type 1. Also called: IDUA deficiency; MPS I. Identifiers: Orphanet 579, MedGen C0023786, MONDO:0001586.

Allele frequency attached by ClinVar (database versions not stated): gnomAD exomes below 0.00001 and 0.00001; TOPMed below 0.00001; ExAC 0.00001; gnomAD 0.00001.
gnomAD v4.1: 4 of 1,613,016 alleles (0.00025%); highest among the groups gnomAD compares: Admixed American, 0.0067%; no homozygotes.

Submissions (4):

ClinGen Lysosomal Storage Disorder Variant Curation Expert Panel
Classification: Uncertain significance for Mucopolysaccharidosis type 1. Last evaluated: 2024-12-06. Review status: reviewed by expert panel. Criteria: ClinGen LSD ACMG Specifications IDUA V1.0.0. Collection method: curation. Allele origin: germline. Inheritance: Autosomal recessive inheritance.
Comment: The NM_000203.5:c.1051G>A variant in IDUA is predicted to result in a missense substitution, p.Ala351Thr. To our knowledge, no patients with this variant have been reported in the literature. However, one patient has been identified by a clinical diagnostic testing laboratory with IDUA activity at the upper end of the affected range; no further details are available (insufficient evidence to apply PP4). This patient is compound heterozygous for the variant and c.1827_1828delinsT (p.Asp610ThrfsTer), a variant that alters the donor splice site of the second to last exon of IDUA (VUS based on classification by the ClinGen Lysosomal Disease VCEP). The variants are likely in trans based on parental testing (insufficient evidence to apply PM3). The highest population minor allele frequency in gnomAD v4.1.0. is 0.00006670 (4/59972 alleles; no homozygotes) in the Admixed American population, which is lower than the ClinGen Lysosomal Diseases VCEP’s threshold for PM2_Supporting (<0.00025), meeting this criterion (PM2_Supporting). The computational predictor REVEL gives a score of 0.831 which is above the threshold of 0.773, evidence that correlates with impact to IDUA function at the moderate level based on the specifications of the ClinGen Lysosomal Diseases VCEP (PMID: 36413997) (PP3_Moderate). In summary, this variant meets the criteria to be classified as a variant of uncertain significance for Mucopolysaccharidosis type 1. IDUA-specific ACMG/AMP criteria aplied, as specified by the ClinGen Lysosomal Diseases VCEP (Specifications Version 1.0.0): PP3_Moderate, PM2_Supporting. (Classification approved by the ClinGen Lysosomal Diseases Variant Curation Expert Panel on December 6, 2024)

Labcorp Genetics (formerly Invitae), Labcorp
Classification: Uncertain significance for Mucopolysaccharidosis type 1. Last evaluated: 2022-05-23. Review status: criteria provided, single submitter. Criteria: Invitae Variant Classification Sherloc (09022015). Collection method: clinical testing. Allele origin: germline. Not counted in ClinVar's aggregate classification.
Comment: This sequence change replaces alanine, which is neutral and non-polar, with threonine, which is neutral and polar, at codon 351 of the IDUA protein (p.Ala351Thr). This variant is present in population databases (rs772855552, gnomAD 0.006%). This variant has not been reported in the literature in individuals affected with IDUA-related conditions. ClinVar contains an entry for this variant (Variation ID: 967585). Advanced modeling of protein sequence and biophysical properties (such as structural, functional, and spatial information, amino acid conservation, physicochemical variation, residue mobility, and thermodynamic stability) performed at Invitae indicates that this missense variant is expected to disrupt IDUA protein function. In summary, the available evidence is currently insufficient to determine the role of this variant in disease. Therefore, it has been classified as a Variant of Uncertain Significance.

Revvity Omics, Revvity
Classification: Uncertain significance. Last evaluated: 2021-09-07. Review status: criteria provided, single submitter. Criteria: ACMG Guidelines, 2015. Collection method: clinical testing. Allele origin: germline. Not counted in ClinVar's aggregate classification.

Natera, Inc.
Classification: Uncertain significance for Mucopolysaccharidosis type I. Last evaluated: 2018-12-08. Review status: no assertion criteria provided. Collection method: clinical testing. Allele origin: germline. Not counted in ClinVar's aggregate classification.